The following is an entry in ClinVar:

NM_198428.3(BBS9):c.434del (p.Gly145fs)

Gene: BBS9 (Bardet-Biedl syndrome 9; plus strand). Cytogenetic location: 7p14.3.
Variant type: Deletion.
Coding change: c.434del on transcript NM_198428.3 (MANE Select); coding-DNA position 434, one base deleted (G; older notation c.434delG).
Protein change: p.Gly145fs; shifts the reading frame from glycine 145.
Molecular consequence: frameshift variant. On other transcripts: non-coding transcript variant (3).
Genome position (GRCh38, 1-based): chr7:33,177,583, G deleted; the last of 2 consecutive G bases (chr7:33,177,582-33,177,583); deleting either gives the same sequence. VCF-style (leftmost placement, unchanged base first): chr7-33177581-TG-T. GRCh37 (hg19) VCF-style: chr7-33217193-TG-T.
Other names: c.434del, p.Gly145fs (NM_001033604.2, NM_001033605.2, NM_001348036.1 and 5 more transcripts); c.68del, p.Gly23fs (NM_001348037.3, NM_001348044.3, NM_001348045.3 and 1 more transcripts); c.161del, p.Gly54fs (NM_001348038.3, NM_001348039.3); c.299del, p.Gly100fs (NM_001348042.3); c.434delG, p.Gly145Valfs (NM_001412127.2, NM_001412128.2); short protein forms G100fs, G145fs, G23fs, G54fs.
Identifiers: ClinVar variation 2680091 (VCV002680091.6), dbSNP rs1408974101, ClinGen allele CA573762367.

ClinVar aggregate classification (germline): Pathogenic. Review status: criteria provided, multiple submitters, no conflicts (2 of 4 stars). 2 submissions from 2 submitters: Pathogenic (2). Last evaluated 2024-05-14.

Conditions:
Bardet-Biedl syndrome 9 (BBS9). Identifiers: Orphanet 110, MedGen C1859567, MONDO:0014437, OMIM 615986.
Bardet-Biedl syndrome (BBS). Identifiers: Orphanet 110, MedGen C0752166, MONDO:0015229.

Submissions (2):

Fulgent Genetics
Classification: Pathogenic for Bardet-Biedl syndrome 9. Last evaluated: 2024-05-14. Review status: criteria provided, single submitter. Criteria: ACMG Guidelines, 2015. Collection method: clinical testing. Allele origin: germline.

Labcorp Genetics (formerly Invitae), Labcorp
Classification: Pathogenic for Bardet-Biedl syndrome. Last evaluated: 2023-11-24. Review status: criteria provided, single submitter. Criteria: Invitae Variant Classification Sherloc (09022015). Collection method: clinical testing. Allele origin: germline.
Comment: This sequence change creates a premature translational stop signal (p.Gly145Valfs*2) in the BBS9 gene. It is expected to result in an absent or disrupted protein product. Loss-of-function variants in BBS9 are known to be pathogenic (PMID: 16380913, 20177705). This variant is present in population databases (no rsID available, gnomAD 0.006%). This premature translational stop signal has been observed in individual(s) with suspected retinitis pigmentosa (PMID: 31054281). For these reasons, this variant has been classified as Pathogenic.

Literature cited by the submitters: PubMed 16380913 (cited by Labcorp Genetics (formerly Invitae), Labcorp); PubMed 20177705 (cited by Labcorp Genetics (formerly Invitae), Labcorp); PubMed 31054281 (cited by Labcorp Genetics (formerly Invitae), Labcorp).